The following is an entry in ClinVar:

ClinVar aggregate classification (germline): Uncertain significance. Review status: criteria provided, multiple submitters, no conflicts (2 of 4 stars). 3 submissions from 3 submitters: Uncertain significance (3). Last evaluated 2025-06-01.

Conditions:
Long QT syndrome (LQTS). Identifiers: MedGen C0023976, MeSH D008133, MONDO:0002442. Disease mechanism: loss of function. Inheritance: Various modes of inheritance.
Cardiovascular phenotype. Identifiers: MedGen CN230736.

Allele frequency attached by ClinVar (database versions not stated): gnomAD 0.00002; gnomAD exomes 0.00002 and 0.00003; ExAC 0.00004; 1000 Genomes Project 30x 0.00016; 1000 Genomes Project 0.00020.
gnomAD v4.1: 27 of 1,607,010 alleles (0.0017%); highest among the groups gnomAD compares: South Asian, 0.03%; no homozygotes.

Submissions (3):

Labcorp Genetics (formerly Invitae), Labcorp
Classification: Uncertain significance for Long QT syndrome. Last evaluated: 2025-06-01. Review status: criteria provided, single submitter. Criteria: Invitae Variant Classification Sherloc (09022015). Collection method: clinical testing. Allele origin: germline.
Comment: This sequence change falls in intron 7 of the ANK2 gene. It does not directly change the encoded amino acid sequence of the ANK2 protein. It affects a nucleotide within the consensus splice site. This variant is present in population databases (rs565218126, gnomAD 0.03%). This variant has not been reported in the literature in individuals affected with ANK2-related conditions. ClinVar contains an entry for this variant (Variation ID: 1465975). Variants that disrupt the consensus splice site are a relatively common cause of aberrant splicing (PMID: 17576681, 9536098). Algorithms developed to predict the effect of sequence changes on RNA splicing suggest that this variant may disrupt the consensus splice site. In summary, the available evidence is currently insufficient to determine the role of this variant in disease. Therefore, it has been classified as a Variant of Uncertain Significance.

GeneDx
Classification: Uncertain significance. Last evaluated: 2023-12-18. Review status: criteria provided, single submitter. Criteria: GeneDx Variant Classification Process June 2021. Collection method: clinical testing. Allele origin: germline. Affected: yes.
Comment: Has not been previously published as pathogenic or benign to our knowledge; In silico analysis is inconclusive as to whether the variant alters gene splicing. In the absence of RNA/functional studies, the actual effect of this sequence change is unknown.

Ambry Genetics
Classification: Uncertain significance for Cardiovascular phenotype. Last evaluated: 2022-12-30. Review status: criteria provided, single submitter. Criteria: Ambry Variant Classification Scheme 2023. Collection method: clinical testing. Allele origin: germline.
Comment: The c.693+6G>A intronic alteration consists of a G to A substitution nucleotides after coding exon 7 in the ANK2 gene. Based on insufficient or conflicting evidence, the clinical significance of this alteration remains unclear.

Literature cited by the submitters: PubMed 17576681 (cited by Labcorp Genetics (formerly Invitae), Labcorp); PubMed 9536098 (cited by Labcorp Genetics (formerly Invitae), Labcorp).

NM_001148.6(ANK2):c.693+6G>A

Gene: ANK2 (ankyrin 2; plus strand). Cytogenetic location: 4q26.
Variant type: single nucleotide variant.
Coding change: c.693+6G>A on transcript NM_001148.6 (MANE Select); 6 bases into the intron after coding-DNA position 693, G replaced by A.
Molecular consequence: intron variant.
Genome position (GRCh38, 1-based): chr4:113,237,628, G>A. VCF-style: chr4-113237628-G-A. GRCh37 (hg19) VCF-style: chr4-114158784-G-A.
Other names: c.693+6G>A (NM_001148.4, NM_001354225.2, NM_001354235.2 and 10 more transcripts); c.681+6G>A (NM_001386186.2, NM_001386148.2, NM_001354269.3); c.657+456G>A (NM_001386187.2); c.651+456G>A (NM_001386147.1, NM_001386160.1, NM_001354261.2); c.630+6G>A (NM_001354254.2, NM_001354239.2, NM_001354252.2 and 14 more transcripts); c.606+456G>A (NM_001354249.2, NM_001354266.2, NM_001354276.2 and 16 more transcripts); c.738+6G>A (NM_001354241.2, NM_001386152.1, NM_001354237.2 and 5 more transcripts); c.744+6G>A (NM_001386174.1); and 1 more.
Identifiers: ClinVar variation 1465975 (VCV001465975.8), dbSNP rs565218126, ClinGen allele CA3050082.